The following is an entry in ClinVar:

ClinVar aggregate classification (germline): Benign/Likely benign. Review status: criteria provided, multiple submitters, no conflicts (2 of 4 stars). 6 submissions from 6 submitters: Benign (3); Likely benign (3). Last evaluated 2026-05-01.

Conditions:
Inborn genetic diseases. Identifiers: MedGen C0950123, MeSH D030342.
Intellectual developmental disorder, autosomal dominant 6, with or without seizures. Also called: Intellectual disability, autosomal dominant 6; GRIN2B-related developmental delay, intellectual disability and autism spectrum disorder. Identifiers: Orphanet 589547, MedGen C3151411, MONDO:0013509, OMIM 613970.
Developmental and epileptic encephalopathy, 27 (DEE27). Also called: Epileptic encephalopathy, early infantile, 27; GRIN2B-Related Neurodevelopmental Disorder. Identifiers: Orphanet 3451, MedGen C4015316, MONDO:0014505, OMIM 616139.

Allele frequency attached by ClinVar (database versions not stated): ExAC 0.00022; gnomAD exomes 0.00024 and 0.00025; gnomAD 0.00029 and 0.00030; ESP Exome Variant Server 0.00038; TOPMed 0.00048; 1000 Genomes Project 0.00060; 1000 Genomes Project 30x 0.00062.
gnomAD v4.1: 389 of 1,614,186 alleles (0.024%); highest among the groups gnomAD compares: Admixed American, 0.092%; no homozygotes.

Submissions (6):

CeGaT Center for Human Genetics Tuebingen
Classification: Likely benign. Last evaluated: 2026-05-01. Review status: criteria provided, single submitter. Criteria: CeGaT Center For Human Genetics Tuebingen Variant Classification Criteria Version 2. Collection method: clinical testing. Allele origin: germline. Affected: yes. Observed: 3 variant alleles.
Comment: GRIN2B: BP4, BS2

Labcorp Genetics (formerly Invitae), Labcorp
Classification: Benign for Developmental and epileptic encephalopathy, 27; Intellectual developmental disorder, autosomal dominant 6, with or without seizures. Last evaluated: 2025-12-21. Review status: criteria provided, single submitter. Criteria: Invitae Variant Classification Sherloc (09022015). Collection method: clinical testing. Allele origin: germline.

Blueprint Genetics
Classification: Likely benign. Last evaluated: 2024-04-10. Review status: criteria provided, single submitter. Criteria: ACMG Guidelines, 2015. Collection method: clinical testing. Allele origin: germline.

Athena Diagnostics
Classification: Benign. Last evaluated: 2017-09-29. Review status: criteria provided, single submitter. Criteria: Athena Diagnostics Criteria. Collection method: clinical testing. Allele origin: germline.

Ambry Genetics
Classification: Likely benign for Inborn genetic diseases. Last evaluated: 2017-01-06. Review status: criteria provided, single submitter. Criteria: Ambry Variant Classification Scheme 2023. Collection method: clinical testing. Allele origin: germline.

GeneDx
Classification: Benign. Last evaluated: 2015-05-11. Review status: criteria provided, single submitter. Criteria: GeneDx Variant Classification (06012015). Collection method: clinical testing. Allele origin: germline. Affected: yes.
Comment: This variant is considered likely benign or benign based on one or more of the following criteria: it is a conservative change, it occurs at a poorly conserved position in the protein, it is predicted to be benign by multiple in silico algorithms, and/or has population frequency not consistent with disease.

NM_000834.5(GRIN2B):c.4113C>T (p.Tyr1371=)

Gene: GRIN2B (glutamate ionotropic receptor NMDA type subunit 2B; minus strand). Cytogenetic location: 12p13.1.
Variant type: single nucleotide variant.
Coding change: c.4113C>T on transcript NM_000834.5 (MANE Select); coding-DNA position 4113, C replaced by T.
Protein change: p.Tyr1371=; no amino-acid change (tyrosine 1371 retained).
Molecular consequence: synonymous variant.
Genome position (GRCh38, 1-based): chr12:13,563,125, G>A on the plus strand (C>T on the coding strand, the complement: GRIN2B is on the minus strand). VCF-style: chr12-13563125-G-A. GRCh37 (hg19) VCF-style: chr12-13716059-G-A.
Identifiers: ClinVar variation 245622 (VCV000245622.40), dbSNP rs146792012, ClinGen allele CA6460781.
Genomic context (GRCh38, chr12:13,563,125, plus strand): 5'-AAAAGTGGGGATGAAAGGGTTTTGCGTGACCCGGTCAGGGTAGAGCGACTTGCTGAGCAT[G>A]TACCCGCCGCCGGGGTTGTTGTGGTGGTGATGTCCGGCAGTGGGCACTGAGGACTTGTTG-3'
Protein context (NP_000825.2, residues 1361-1381): HHHHNNPGGG[Tyr1371=]MLSKSLYPDR